The following is an entry in ClinVar:

ClinVar aggregate classification (germline): Conflicting classifications of pathogenicity. Review status: criteria provided, conflicting classifications (1 of 4 stars). 7 submissions from 7 submitters: Uncertain significance (1); Benign (2); Likely benign (4). Last evaluated 2026-08-01.

Conditions:
Peroxisome biogenesis disorder 7A (Zellweger). Also called: Peroxisome biogenesis disorder 7A. Identifiers: Orphanet 912, MedGen C3888385, MONDO:0013938, OMIM 614872.
Peroxisome biogenesis disorder 7B (PBD7B). Identifiers: Orphanet 44, MedGen C3553951, MONDO:0013939, OMIM 614873.

Allele frequency attached by ClinVar (database versions not stated): ESP Exome Variant Server 0.00292; 1000 Genomes Project 0.00040; 1000 Genomes Project 30x 0.00047; gnomAD 0.00186 and 0.00190; TOPMed 0.00204.
gnomAD v4.1: 4,200 of 1,614,074 alleles (0.26%); highest among the groups gnomAD compares: Non-Finnish European, 0.3%; 8 homozygotes.

Submissions (7):

CeGaT Center for Human Genetics Tuebingen
Classification: Likely benign. Last evaluated: 2026-08-01. Review status: criteria provided, single submitter. Criteria: CeGaT Center For Human Genetics Tuebingen Variant Classification Criteria Version 2. Collection method: clinical testing. Allele origin: germline. Affected: yes. Observed: 4 variant alleles.
Comment: PEX26: BS2

Labcorp Genetics (formerly Invitae), Labcorp
Classification: Benign for Peroxisome biogenesis disorder 7A (Zellweger); Peroxisome biogenesis disorder 7B. Last evaluated: 2026-02-02. Review status: criteria provided, single submitter. Criteria: Invitae Variant Classification Sherloc (09022015). Collection method: clinical testing. Allele origin: germline.

Mayo Clinic Laboratories, Mayo Clinic
Classification: Likely benign. Last evaluated: 2025-09-09. Review status: criteria provided, single submitter. Criteria: ACMG Guidelines, 2015. Collection method: clinical testing. Allele origin: germline. Observed: 3 variant alleles.
Comment: BS1, BS2

Blueprint Genetics
Classification: Likely benign. Last evaluated: 2024-11-26. Review status: criteria provided, single submitter. Criteria: ACMG Guidelines, 2015. Collection method: clinical testing. Allele origin: germline.

GeneDx
Classification: Likely benign. Last evaluated: 2021-01-19. Review status: criteria provided, single submitter. Criteria: GeneDx Variant Classification Process June 2021. Collection method: clinical testing. Allele origin: germline. Affected: yes.

Illumina Laboratory Services, Illumina
Classification: Uncertain significance for Peroxisome biogenesis disorder 7A (Zellweger). Last evaluated: 2018-01-12. Review status: criteria provided, single submitter. Criteria: ICSL Variant Classification Criteria 13 December 2019. Collection method: clinical testing. Allele origin: germline.

Eurofins Ntd Llc (ga)
Classification: Benign. Last evaluated: 2016-01-12. Review status: criteria provided, single submitter. Criteria: EGL Classification Definitions 2015. Collection method: clinical testing. Allele origin: germline. Observed: 1 variant allele, 1 heterozygote.

NM_001127649.3(PEX26):c.325T>C (p.Tyr109His)

Gene: PEX26 (peroxisomal biogenesis factor 26; plus strand). Cytogenetic location: 22q11.21.
Variant type: single nucleotide variant.
Coding change: c.325T>C on transcript NM_001127649.3 (MANE Select); coding-DNA position 325, T replaced by C.
Protein change: p.Tyr109His; replaces tyrosine 109 with histidine.
Molecular consequence: missense variant.
Genome position (GRCh38, 1-based): chr22:18,079,968, T>C. VCF-style: chr22-18079968-T-C. GRCh37 (hg19) VCF-style: chr22-18562734-T-C.
Other names: p.Tyr109His; c.325T>C, p.Tyr109His (NM_001199319.2, NM_017929.6); short protein forms Y109H.
Identifiers: ClinVar variation 285540 (VCV000285540.49), dbSNP rs45567240, ClinGen allele CA10093288.